The following is an entry in ClinVar:

NM_001397406.1(FDX2):c.41T>G (p.Val14Gly)

Genes: FDX2 (ferredoxin 2; minus strand), FDX2-ZGLP1 (FDX2-ZGLP1 readthrough (NMD candidate); minus strand). Cytogenetic location: 19p13.2.
Variant type: single nucleotide variant.
Coding change: c.41T>G on transcript NM_001397406.1 (MANE Select); coding-DNA position 41, T replaced by G.
Protein change: p.Val14Gly; replaces valine 14 with glycine.
Molecular consequence: missense variant. On other transcripts: non-coding transcript variant (2).
Genome position (GRCh38, 1-based): chr19:10,315,956, A>C on the plus strand (T>G on the coding strand, the complement: FDX2 is on the minus strand). VCF-style: chr19-10315956-A-C. GRCh37 (hg19) VCF-style: chr19-10426632-A-C.
Other names: c.50T>G (NM_001031734.3); short protein forms V14G.
Identifiers: ClinVar variation 5009023 (VCV005009023.1).
Genomic context (GRCh38, chr19:10,315,956, plus strand): 5'-CCCGACCCGGAAGTGCCCCCAGGTCTGTTCCACCAGGTGCCCCTGGCAGCCTGCAGTAGA[A>C]CCCTGGCACTCACGCCTCCCCGGGCCATGGAGGCGGCCATGACATGCATCACGTGACTCA-3'
Protein context (NP_001384335.1, residues 4-24): SMARGGVSAR[Val14Gly]LLQAARGTWW

ClinVar aggregate classification (germline): Uncertain significance (1 of 4 stars; one submission).

gnomAD v4.1: 15 of 1,602,654 alleles (0.00094%); highest among the groups gnomAD compares: East Asian, 0.0045%; no homozygotes.

Submission:

GeneDx
Classification: Uncertain significance. Last evaluated: 2026-02-18. Review status: criteria provided, single submitter. Criteria: GeneDx Variant Classification Process June 2021. Collection method: clinical testing. Allele origin: germline.
Comment: Not observed at significant frequency in large population cohorts (gnomAD); In silico analysis suggests that this missense variant does not alter protein structure/function; Has not been previously published as pathogenic or benign to our knowledge